The following is an entry in ClinVar:

NM_032043.3(BRIP1):c.2402A>G (p.Asn801Ser)

Gene: BRIP1 (BRCA1 interacting DNA helicase 1; minus strand). Cytogenetic location: 17q23.2.
Variant type: single nucleotide variant.
Coding change: c.2402A>G on transcript NM_032043.3 (MANE Select); coding-DNA position 2402, A replaced by G.
Protein change: p.Asn801Ser; replaces asparagine 801 with serine.
Molecular consequence: missense variant.
Genome position (GRCh38, 1-based): chr17:61,716,041, T>C on the plus strand (A>G on the coding strand, the complement: BRIP1 is on the minus strand). VCF-style: chr17-61716041-T-C. GRCh37 (hg19) VCF-style: chr17-59793402-T-C.
Other names: short protein forms N801S.
Identifiers: ClinVar variation 570231 (VCV000570231.22), dbSNP rs1325317591, ClinGen allele CA400479773.
Genomic context (GRCh38, chr17:61,716,041, plus strand): 5'-GCTTGAATTTCATACCACTGACGGCCAGGTAGAAGACCTCTCAATTTTGAATGGTGGTCA[T>C]TGTATTGTCGTTTTAGTTCAACCTAATAATTTTAAAATATATTTAAAAAATTAGTAGATA-3'
Protein context (NP_114432.2, residues 791-811): DLQVELKRQY[Asn801Ser]DHHSKLRGLL

ClinVar aggregate classification (germline): Uncertain significance. Review status: criteria provided, multiple submitters, no conflicts (2 of 4 stars). 4 submissions from 4 submitters: Uncertain significance (4). Last evaluated 2025-12-23.

Conditions:
Hereditary cancer-predisposing syndrome. Also called: Hereditary neoplastic syndrome; Neoplastic Syndromes, Hereditary; Hereditary Cancer Syndrome; Tumor predisposition. Identifiers: Orphanet 140162, MedGen C0027672, MeSH D009386, MONDO:0015356.
Fanconi anemia complementation group J. Also called: BRIP1-Related Fanconi Anemia. Identifiers: Orphanet 84, MedGen C1836860, MONDO:0012187, OMIM 609054.
Familial cancer of breast. Also called: BREAST CANCER, FAMILIAL; hereditary breast carcinoma; Hereditary breast cancer. Identifiers: Orphanet 227535, MedGen C0346153, MONDO:0016419, OMIM 114480. Disease mechanism: loss of function.

Allele frequency attached by ClinVar (database versions not stated): TOPMed 0.00001; gnomAD exomes 0.00002 and below 0.00001; gnomAD 0.00001.
gnomAD v4.1: 6 of 1,604,236 alleles (0.00037%); highest among the groups gnomAD compares: Admixed American, 0.01%; no homozygotes.

Submissions (4):

Labcorp Genetics (formerly Invitae), Labcorp
Classification: Uncertain significance for Familial cancer of breast; Fanconi anemia complementation group J. Last evaluated: 2025-12-23. Review status: criteria provided, single submitter. Criteria: Invitae Variant Classification Sherloc (09022015). Collection method: clinical testing. Allele origin: germline.
Comment: This sequence change replaces asparagine, which is neutral and polar, with serine, which is neutral and polar, at codon 801 of the BRIP1 protein (p.Asn801Ser). This variant is present in population databases (no rsID available, gnomAD 0.01%). This variant has not been reported in the literature in individuals affected with BRIP1-related conditions. ClinVar contains an entry for this variant (Variation ID: 570231). Invitae Evidence Modeling of protein sequence and biophysical properties (such as structural, functional, and spatial information, amino acid conservation, physicochemical variation, residue mobility, and thermodynamic stability) indicates that this missense variant is expected to disrupt BRIP1 protein function with a positive predictive value of 95%. In summary, the available evidence is currently insufficient to determine the role of this variant in disease. Therefore, it has been classified as a Variant of Uncertain Significance.

Ambry Genetics
Classification: Uncertain significance for Hereditary cancer-predisposing syndrome. Last evaluated: 2023-12-15. Review status: criteria provided, single submitter. Criteria: Ambry Variant Classification Scheme 2023. Collection method: clinical testing. Allele origin: germline.
Comment: The p.N801S variant (also known as c.2402A>G), located in coding exon 16 of the BRIP1 gene, results from an A to G substitution at nucleotide position 2402. The asparagine at codon 801 is replaced by serine, an amino acid with highly similar properties. This amino acid position is highly conserved in available vertebrate species. In addition, the in silico prediction for this alteration is inconclusive. Since supporting evidence is limited at this time, the clinical significance of this alteration remains unclear.

GeneDx
Classification: Uncertain significance. Last evaluated: 2023-10-24. Review status: criteria provided, single submitter. Criteria: GeneDx Variant Classification Process June 2021. Collection method: clinical testing. Allele origin: germline. Affected: yes.
Comment: Not observed at significant frequency in large population cohorts (gnomAD); In silico analysis supports that this missense variant has a deleterious effect on protein structure/function; Has not been previously published as pathogenic or benign to our knowledge

Baylor Genetics
Classification: Uncertain significance for Familial cancer of breast. Last evaluated: 2023-09-08. Review status: criteria provided, single submitter. Criteria: ACMG Guidelines, 2015. Collection method: clinical testing. Allele origin: unknown.